The following is an entry in ClinVar:

ClinVar aggregate classification (germline): Uncertain significance (1 of 4 stars; one submission).

Conditions:
Hereditary hyperekplexia. Identifiers: Orphanet 3197, MedGen C4084968, MONDO:0021022.

Submission:

Labcorp Genetics (formerly Invitae), Labcorp
Classification: Uncertain significance for Hereditary hyperekplexia. Last evaluated: 2023-11-11. Review status: criteria provided, single submitter. Criteria: Invitae Variant Classification Sherloc (09022015). Collection method: clinical testing. Allele origin: germline.
Comment: This sequence change replaces glutamic acid, which is acidic and polar, with lysine, which is basic and polar, at codon 197 of the GLRA1 protein (p.Glu197Lys). This variant is not present in population databases (gnomAD no frequency). This variant has not been reported in the literature in individuals affected with GLRA1-related conditions. Advanced modeling of protein sequence and biophysical properties (such as structural, functional, and spatial information, amino acid conservation, physicochemical variation, residue mobility, and thermodynamic stability) performed at Invitae indicates that this missense variant is not expected to disrupt GLRA1 protein function with a negative predictive value of 95%. In summary, the available evidence is currently insufficient to determine the role of this variant in disease. Therefore, it has been classified as a Variant of Uncertain Significance.

NM_000171.4(GLRA1):c.589G>A (p.Glu197Lys)

Gene: GLRA1 (glycine receptor alpha 1; minus strand). Cytogenetic location: 5q33.1.
Variant type: single nucleotide variant.
Coding change: c.589G>A on transcript NM_000171.4 (MANE Select); coding-DNA position 589, G replaced by A.
Protein change: p.Glu197Lys; replaces glutamic acid 197 with lysine.
Molecular consequence: missense variant.
Genome position (GRCh38, 1-based): chr5:151,855,148, C>T on the plus strand (G>A on the coding strand, the complement: GLRA1 is on the minus strand). VCF-style: chr5-151855148-C-T. GRCh37 (hg19) VCF-style: chr5-151234709-C-T.
Other names: c.589G>A, p.Glu197Lys (NM_001146040.2); c.340G>A, p.Glu114Lys (NM_001292000.2); short protein forms E197K, E114K.
Identifiers: ClinVar variation 2692700 (VCV002692700.3), dbSNP rs2479978092, ClinGen allele CA361840067.